The following is an entry in ClinVar:

NM_004525.3(LRP2):c.11638G>A (p.Asp3880Asn)

Gene: LRP2 (LDL receptor related protein 2; minus strand). Cytogenetic location: 2q31.1.
Variant type: single nucleotide variant.
Coding change: c.11638G>A on transcript NM_004525.3 (MANE Select); coding-DNA position 11638, G replaced by A.
Protein change: p.Asp3880Asn; replaces aspartic acid 3880 with asparagine.
Molecular consequence: missense variant.
Genome position (GRCh38, 1-based): chr2:169,166,052, C>T on the plus strand (G>A on the coding strand, the complement: LRP2 is on the minus strand). VCF-style: chr2-169166052-C-T. GRCh37 (hg19) VCF-style: chr2-170022562-C-T.
Other names: short protein forms D3880N.
Identifiers: ClinVar variation 1367875 (VCV001367875.3), dbSNP rs893547456, ClinGen allele CA59905700.

ClinVar aggregate classification (germline): Uncertain significance (1 of 4 stars; one submission).

Allele frequency attached by ClinVar (database versions not stated): TOPMed 0.00001; gnomAD exomes 0.00002.
gnomAD v4.1: 5 of 1,613,892 alleles (0.00031%); highest among the groups gnomAD compares: Admixed American, 0.0067%; no homozygotes.

Submission:

Labcorp Genetics (formerly Invitae), Labcorp
Classification: Uncertain significance. Last evaluated: 2022-10-13. Review status: criteria provided, single submitter. Criteria: Invitae Variant Classification Sherloc (09022015). Collection method: clinical testing. Allele origin: germline.
Comment: This sequence change replaces aspartic acid, which is acidic and polar, with asparagine, which is neutral and polar, at codon 3880 of the LRP2 protein (p.Asp3880Asn). This variant is present in population databases (no rsID available, gnomAD 0.01%). This variant has not been reported in the literature in individuals affected with LRP2-related conditions. ClinVar contains an entry for this variant (Variation ID: 1367875). Algorithms developed to predict the effect of missense changes on protein structure and function output the following: SIFT: "Tolerated"; PolyPhen-2: "Benign"; Align-GVGD: "Class C0". The asparagine amino acid residue is found in multiple mammalian species, which suggests that this missense change does not adversely affect protein function. In summary, the available evidence is currently insufficient to determine the role of this variant in disease. Therefore, it has been classified as a Variant of Uncertain Significance.